The following is an entry in ClinVar:

NM_198859.4(PRICKLE2):c.2313_2318del (p.Glu771_Tyr772del)

Genes: PRICKLE2 (prickle planar cell polarity protein 2; minus strand), PRICKLE2-AS1 (PRICKLE2 antisense RNA 1; plus strand). Cytogenetic location: 3p14.1.
Variant type: Deletion.
Coding change: c.2313_2318del on transcript NM_198859.4 (MANE Select); coding-DNA positions 2313 to 2318, 6 bases deleted (GTATGA; older notation c.2313_2318delGTATGA).
Protein change: p.Glu771_Tyr772del.
Molecular consequence: non-coding transcript variant (on NR_045697.1).
Genome position (GRCh38, 1-based): chr3:64,099,268-64,099,273, TCATAC deleted on the plus strand (GTATGA on the coding strand, the reverse complement: PRICKLE2 is on the minus strand); deleting any 6 consecutive bases within chr3:64,099,268-64,099,275 gives the same sequence; the c. name uses the placement nearest the transcript's 3' end. VCF-style (leftmost placement, unchanged base first): chr3-64099267-ATCATAC-A. GRCh37 (hg19) VCF-style: chr3-64084943-ATCATAC-A.
Other names: c.2313_2318del, p.Glu771_Tyr772del (NM_001370528.1).
Identifiers: ClinVar variation 3672120 (VCV003672120.2).
Genomic context (GRCh38, chr3:64,099,267, plus strand): 5'-TTCTCCTAGGAAATAGCCCTCGTTGTCAGACTCTGAAGAGGAGGAGCAGGTGGAACACCA[ATCATAC>A]TCGGCGAAGTAGGGTCCCCAGCGGTCCCCAAAGGCATTCTGCAAAGCCAGGTCCGACACA-3'

ClinVar aggregate classification (germline): Uncertain significance (1 of 4 stars; one submission).

Conditions:
Progressive myoclonic epilepsy type 5. Identifiers: Orphanet 402082, MedGen C5190799.

Submission:

Labcorp Genetics (formerly Invitae), Labcorp
Classification: Uncertain significance for Progressive myoclonic epilepsy type 5. Last evaluated: 2024-08-11. Review status: criteria provided, single submitter. Criteria: Invitae Variant Classification Sherloc (09022015). Collection method: clinical testing. Allele origin: germline.
Comment: This variant, c.2313_2318del, results in the deletion of 2 amino acid(s) of the PRICKLE2 protein (p.Glu771_Tyr772del), but otherwise preserves the integrity of the reading frame. This variant is not present in population databases (gnomAD no frequency). This variant has not been reported in the literature in individuals affected with PRICKLE2-related conditions. Experimental studies and prediction algorithms are not available or were not evaluated, and the functional significance of this variant is currently unknown. In summary, the available evidence is currently insufficient to determine the role of this variant in disease. Therefore, it has been classified as a Variant of Uncertain Significance.